The following is an entry in ClinVar:

NM_018713.3(SLC30A10):c.1038T>C (p.Ile346=)

Gene: SLC30A10 (solute carrier family 30 member 10; minus strand). Cytogenetic location: 1q41.
Variant type: single nucleotide variant.
Coding change: c.1038T>C on transcript NM_018713.3 (MANE Select); coding-DNA position 1038, T replaced by C.
Protein change: p.Ile346=; no amino-acid change (isoleucine 346 retained).
Molecular consequence: synonymous variant.
Genome position (GRCh38, 1-based): chr1:219,915,869, A>G on the plus strand (T>C on the coding strand, the complement: SLC30A10 is on the minus strand). VCF-style: chr1-219915869-A-G. GRCh37 (hg19) VCF-style: chr1-220089211-A-G.
Other names: c.849T>C, p.Ile283= (NM_001376929.1); c.363T>C, p.Ile121= (NM_001416004.1, NM_001416005.1); c.1038T>C (NM_018713.2).
Identifiers: ClinVar variation 1923854 (VCV001923854.7), dbSNP rs772219560, ClinGen allele CA1399176.

ClinVar aggregate classification (germline): Likely benign. Review status: criteria provided, single submitter (1 of 4 stars). 2 submissions from 2 submitters: Likely benign (1). 1 of the submissions does not count toward it. Last evaluated 2025-07-23.

Conditions:
SLC30A10-related disorder. Also called: SLC30A10-related condition.

Allele frequency attached by ClinVar (database versions not stated): TOPMed below 0.00001; ExAC 0.00001; gnomAD 0.00001; gnomAD exomes 0.00001.
gnomAD v4.1: 17 of 1,614,078 alleles (0.0011%); highest among the groups gnomAD compares: Non-Finnish European, 0.0014%; no homozygotes.

Submissions (2):

Labcorp Genetics (formerly Invitae), Labcorp
Classification: Likely benign. Last evaluated: 2025-07-23. Review status: criteria provided, single submitter. Criteria: Invitae Variant Classification Sherloc (09022015). Collection method: clinical testing. Allele origin: germline.

PreventionGenetics, part of Exact Sciences
Classification: Likely benign for SLC30A10-related condition. Last evaluated: 2019-08-27. Review status: no assertion criteria provided. Collection method: clinical testing. Allele origin: germline. Not counted in ClinVar's aggregate classification.
Comment: This variant is classified as likely benign based on ACMG/AMP sequence variant interpretation guidelines (Richards et al. 2015 PMID: 25741868, with internal and published modifications).